The following is an entry in ClinVar:

NM_015100.4(POGZ):c.2989del (p.Arg997fs)

Gene: POGZ (pogo transposable element derived with ZNF domain; minus strand). Cytogenetic location: 1q21.3.
Variant type: Deletion.
Coding change: c.2989del on transcript NM_015100.4 (MANE Select); coding-DNA position 2989, one base deleted (C; older notation c.2989delC).
Protein change: p.Arg997fs; shifts the reading frame from arginine 997.
Molecular consequence: frameshift variant.
Genome position (GRCh38, 1-based): chr1:151,406,046, G deleted on the plus strand (C on the coding strand, the reverse complement: POGZ is on the minus strand); the first of 2 consecutive G bases (chr1:151,406,046-151,406,047); deleting either gives the same sequence. VCF-style (leftmost placement, unchanged base first): chr1-151406045-CG-C. GRCh37 (hg19) VCF-style: chr1-151378521-CG-C.
Other names: c.2962del, p.Arg988fs (NM_001194937.2); c.2803del, p.Arg935fs (NM_001194938.2); c.3010del, p.Arg1004fs (NM_001410860.1); c.2704del, p.Arg902fs (NM_145796.4); c.2830del, p.Arg944fs (NM_207171.2); short protein forms R1004fs, R902fs, R935fs, R944fs, R988fs, R997fs.
Identifiers: ClinVar variation 3337482 (VCV003337482.2).

ClinVar aggregate classification (germline): Likely pathogenic. Review status: criteria provided, multiple submitters, no conflicts (2 of 4 stars). 2 submissions from 2 submitters: Likely pathogenic (2). Last evaluated 2025-05-28.

Conditions:
Intellectual disability-microcephaly-strabismus-behavioral abnormalities syndrome. Also called: White-Sutton Syndrome. Identifiers: Orphanet 468678, MedGen C4225351, MONDO:0014606, OMIM 616364.

Submissions (2):

3billion
Classification: Likely pathogenic for Intellectual disability-microcephaly-strabismus-behavioral abnormalities syndrome. Last evaluated: 2025-05-28. Review status: criteria provided, single submitter. Criteria: ACMG Guidelines, 2015. Collection method: clinical testing. Allele origin: germline. Affected: yes.
Comment: The variant is not observed in the gnomAD v4.1.0 dataset. Predicted Consequence/Location: Frameshift: predicted to result in a loss or disruption of normal protein function through protein truncation. The predicted truncated protein may be shortened by more than 10%. The variant has been reported to be associated with POGZ-related disorder (ClinVar ID: VCV003337482). Therefore, this variant is classified as Likely pathogenic according to the recommendation of ACMG/AMP guideline.

Clinical Genetics Laboratory, Skane University Hospital Lund
Classification: Likely pathogenic. Last evaluated: 2022-05-27. Review status: criteria provided, single submitter. Criteria: ACMG Guidelines, 2015. Collection method: clinical testing. Allele origin: germline. Affected: yes.